The following is an entry in ClinVar:

NM_005051.3(QARS1):c.422G>A (p.Arg141His)

Gene: QARS1 (glutaminyl-tRNA synthetase 1; minus strand). Cytogenetic location: 3p21.31.
Variant type: single nucleotide variant.
Coding change: c.422G>A on transcript NM_005051.3 (MANE Select); coding-DNA position 422, G replaced by A.
Protein change: p.Arg141His; replaces arginine 141 with histidine.
Molecular consequence: missense variant. On other transcripts: non-coding transcript variant (1).
Genome position (GRCh38, 1-based): chr3:49,103,660, C>T on the plus strand (G>A on the coding strand, the complement: QARS1 is on the minus strand). VCF-style: chr3-49103660-C-T. GRCh37 (hg19) VCF-style: chr3-49141093-C-T.
Other names: c.389G>A, p.Arg130His (NM_001272073.2); short protein forms R130H, R141H.
Identifiers: ClinVar variation 1057863 (VCV001057863.5), dbSNP rs1293633518, ClinGen allele CA352719558.

ClinVar aggregate classification (germline): Uncertain significance (1 of 4 stars; one submission).

Conditions:
Diffuse cerebral and cerebellar atrophy - intractable seizures - progressive microcephaly syndrome. Also called: Microcephaly, progressive, with seizures and cerebral and cerebellar atrophy. Identifiers: Orphanet 404437, MedGen C4014239, MONDO:0014335, OMIM 615760.

Allele frequency attached by ClinVar (database versions not stated): gnomAD 0.00001; TOPMed 0.00001.

Submission:

Labcorp Genetics (formerly Invitae), Labcorp
Classification: Uncertain significance for Diffuse cerebral and cerebellar atrophy - intractable seizures - progressive microcephaly syndrome. Last evaluated: 2022-07-03. Review status: criteria provided, single submitter. Criteria: Invitae Variant Classification Sherloc (09022015). Collection method: clinical testing. Allele origin: germline.
Comment: In summary, the available evidence is currently insufficient to determine the role of this variant in disease. Therefore, it has been classified as a Variant of Uncertain Significance. Algorithms developed to predict the effect of missense changes on protein structure and function are either unavailable or do not agree on the potential impact of this missense change (SIFT: "Deleterious"; PolyPhen-2: "Probably Damaging"; Align-GVGD: "Class C0"). ClinVar contains an entry for this variant (Variation ID: 1057863). This variant has not been reported in the literature in individuals affected with QARS-related conditions. This variant is not present in population databases (gnomAD no frequency). This sequence change replaces arginine, which is basic and polar, with histidine, which is basic and polar, at codon 141 of the QARS protein (p.Arg141His).